The following is an entry in ClinVar:

NM_004329.3(BMPR1A):c.486C>T (p.Val162=)

Gene: BMPR1A (bone morphogenetic protein receptor type 1A; plus strand). Cytogenetic location: 10q23.2.
Variant type: single nucleotide variant.
Coding change: c.486C>T on transcript NM_004329.3 (MANE Select); coding-DNA position 486, C replaced by T.
Protein change: p.Val162=; no amino-acid change (valine 162 retained).
Molecular consequence: synonymous variant.
Genome position (GRCh38, 1-based): chr10:86,900,082, C>T. VCF-style: chr10-86900082-C-T. GRCh37 (hg19) VCF-style: chr10-88659839-C-T.
Identifiers: ClinVar variation 1667377 (VCV001667377.11), dbSNP rs1843287389, ClinGen allele CA470307104.

ClinVar aggregate classification (germline): Benign/Likely benign. Review status: criteria provided, multiple submitters, no conflicts (2 of 4 stars). 3 submissions from 3 submitters: Benign (1); Likely benign (2). Last evaluated 2025-11-13.

Conditions:
Juvenile polyposis syndrome (JPS). Identifiers: Orphanet 2929, MedGen C0345893, MONDO:0017380, OMIM 174900.
Hereditary cancer-predisposing syndrome. Also called: Hereditary neoplastic syndrome; Hereditary Cancer Syndrome; Tumor predisposition; Neoplastic Syndromes, Hereditary. Identifiers: Orphanet 140162, MedGen C0027672, MeSH D009386, MONDO:0015356.

Allele frequency attached by ClinVar (database versions not stated): gnomAD exomes below 0.00001.
gnomAD v4.1: 1 of 1,614,044 alleles (0.000062%); highest among the groups gnomAD compares: African/African-American, 0.0013%; no homozygotes.

Submissions (3):

Labcorp Genetics (formerly Invitae), Labcorp
Classification: Likely benign for Juvenile polyposis syndrome. Last evaluated: 2025-11-13. Review status: criteria provided, single submitter. Criteria: Invitae Variant Classification Sherloc (09022015). Collection method: clinical testing. Allele origin: germline.

Myriad Genetics, Inc.
Classification: Benign for Juvenile polyposis syndrome. Last evaluated: 2024-08-01. Review status: criteria provided, single submitter. Criteria: Myriad Autosomal Dominant, Autosomal Recessive and X-Linked Classification Criteria (2023). Collection method: clinical testing. Allele origin: unknown.
Comment: This variant is considered benign. This variant is a silent/synonymous amino acid change and it is not expected to impact splicing.

Ambry Genetics
Classification: Likely benign for Hereditary cancer-predisposing syndrome. Last evaluated: 2020-12-23. Review status: criteria provided, single submitter. Criteria: Ambry Variant Classification Scheme 2023. Collection method: clinical testing. Allele origin: germline.